The following is an entry in ClinVar:

NM_020987.5(ANK3):c.12767_12769del (p.Glu4256_Ile4257delinsVal)

Gene: ANK3 (ankyrin 3; minus strand). Cytogenetic location: 10q21.2.
Variant type: Deletion.
Coding change: c.12767_12769del on transcript NM_020987.5 (MANE Select); coding-DNA positions 12767 to 12769, 3 bases deleted (AAA; older notation c.12767_12769delAAA).
Protein change: p.Glu4256_Ile4257delinsVal.
Molecular consequence: inframe indel.
Genome position (GRCh38, 1-based): chr10:60,055,954-60,055,956, TTT deleted on the plus strand (AAA on the coding strand, the reverse complement: ANK3 is on the minus strand). VCF-style (leftmost placement, unchanged base first): chr10-60055953-ATTT-A. GRCh37 (hg19) VCF-style: chr10-61815711-ATTT-A.
Other names: c.2639_2641del, p.Glu880_Ile881delinsVal (NM_001149.4); c.5219_5221del, p.Glu1740_Ile1741delinsVal (NM_001204403.2); c.5240_5242del, p.Glu1747_Ile1748delinsVal (NM_001204404.2); c.5237_5239del, p.Glu1746_Ile1747delinsVal (NM_001320874.2).
Identifiers: ClinVar variation 1509596 (VCV001509596.29), dbSNP rs1425594215, ClinGen allele CA469838307.
Genomic context (GRCh38, chr10:60,055,953, plus strand): 5'-TGTTTTCCTACATCATTTTGGGATTCTGGAAAGTAAGATTTTGTCTTTGCTTCTGGAGTG[ATTT>A]CTGTATGGCTTCCATTTGCTTCAAATTTGCCAGCTTCTCCTTTGAGATATGAGGTAATGG-3'

ClinVar aggregate classification (germline): Uncertain significance. Review status: criteria provided, multiple submitters, no conflicts (2 of 4 stars). 2 submissions from 2 submitters: Uncertain significance (2). Last evaluated 2024-03-01.

Allele frequency attached by ClinVar (database versions not stated): gnomAD exomes below 0.00001; TOPMed below 0.00001; gnomAD 0.00001.

Submissions (2):

CeGaT Center for Human Genetics Tuebingen
Classification: Uncertain significance. Last evaluated: 2024-03-01. Review status: criteria provided, single submitter. Criteria: CeGaT Center For Human Genetics Tuebingen Variant Classification Criteria Version 2. Collection method: clinical testing. Allele origin: germline. Affected: yes. Observed: 1 variant allele.
Comment: ANK3: PM2, PM4

Labcorp Genetics (formerly Invitae), Labcorp
Classification: Uncertain significance. Last evaluated: 2022-06-20. Review status: criteria provided, single submitter. Criteria: Invitae Variant Classification Sherloc (09022015). Collection method: clinical testing. Allele origin: germline.
Comment: This variant is not present in population databases (gnomAD no frequency). This variant, c.12767_12769del, is a complex sequence change that results in the deletion of two and insertion of one amino acid(s) in the ANK3 protein (p.Glu4256_Ile4257delinsVal). This variant has not been reported in the literature in individuals affected with ANK3-related conditions. In summary, the available evidence is currently insufficient to determine the role of this variant in disease. Therefore, it has been classified as a Variant of Uncertain Significance. Experimental studies and prediction algorithms are not available or were not evaluated, and the functional significance of this variant is currently unknown.